The following is an entry in ClinVar:

NM_001371596.2(MFSD8):c.72C>A (p.Asp24Glu)

Gene: MFSD8 (major facilitator superfamily domain containing 8; minus strand). Cytogenetic location: 4q28.2.
Variant type: single nucleotide variant.
Coding change: c.72C>A on transcript NM_001371596.2 (MANE Select); coding-DNA position 72, C replaced by A.
Protein change: p.Asp24Glu; replaces aspartic acid 24 with glutamic acid.
Molecular consequence: missense variant. On other transcripts: 5 prime UTR variant (1).
Genome position (GRCh38, 1-based): chr4:127,957,583, G>T on the plus strand (C>A on the coding strand, the complement: MFSD8 is on the minus strand). VCF-style: chr4-127957583-G-T. GRCh37 (hg19) VCF-style: chr4-128878738-G-T.
Other names: c.72C>A, p.Asp24Glu (NM_001363520.3, NM_001363521.3, NM_001371591.2 and 5 more transcripts); c.-64C>A (NM_001371590.2, NM_001371595.1, NM_001410765.1); short protein forms D24E.
Identifiers: ClinVar variation 1506626 (VCV001506626.7), dbSNP rs775812921, ClinGen allele CA358165278.

ClinVar aggregate classification (germline): Uncertain significance (1 of 4 stars; one submission).

Conditions:
Neuronal ceroid lipofuscinosis 7 (CLN7). Also called: MFSD8-Related Neuronal Ceroid-Lipofuscinosis. Identifiers: Orphanet 168491, Orphanet 228366, MedGen C1838571, MONDO:0012588, OMIM 610951.

Submission:

Labcorp Genetics (formerly Invitae), Labcorp
Classification: Uncertain significance for Neuronal ceroid lipofuscinosis 7. Last evaluated: 2021-12-01. Review status: criteria provided, single submitter. Criteria: Invitae Variant Classification Sherloc (09022015). Collection method: clinical testing. Allele origin: germline.
Comment: In summary, the available evidence is currently insufficient to determine the role of this variant in disease. Therefore, it has been classified as a Variant of Uncertain Significance. Algorithms developed to predict the effect of missense changes on protein structure and function (SIFT, PolyPhen-2, Align-GVGD) all suggest that this variant is likely to be tolerated. This variant has not been reported in the literature in individuals affected with MFSD8-related conditions. This variant is not present in population databases (gnomAD no frequency). This sequence change replaces aspartic acid, which is acidic and polar, with glutamic acid, which is acidic and polar, at codon 24 of the MFSD8 protein (p.Asp24Glu).